The following is an entry in ClinVar:

ClinVar aggregate classification (germline): Uncertain significance (1 of 4 stars; one submission).

Allele frequency attached by ClinVar (database versions not stated): gnomAD exomes below 0.00001.
gnomAD v4.1: 1 of 1,592,804 alleles (0.000063%); highest among the groups gnomAD compares: Non-Finnish European, 0.000085%; no homozygotes.

Submission:

CeGaT Center for Human Genetics Tuebingen
Classification: Uncertain significance. Last evaluated: 2024-05-01. Review status: criteria provided, single submitter. Criteria: CeGaT Center For Human Genetics Tuebingen Variant Classification Criteria Version 2. Collection method: clinical testing. Allele origin: germline. Affected: yes. Observed: 1 variant allele.
Comment: AFF4: PM2, PP2

NM_014423.4(AFF4):c.3104C>A (p.Ser1035Tyr)

Gene: AFF4 (ALF transcription elongation factor 4; minus strand). Cytogenetic location: 5q31.1.
Variant type: single nucleotide variant.
Coding change: c.3104C>A on transcript NM_014423.4 (MANE Select); coding-DNA position 3104, C replaced by A.
Protein change: p.Ser1035Tyr; replaces serine 1035 with tyrosine.
Molecular consequence: missense variant.
Genome position (GRCh38, 1-based): chr5:132,885,115, G>T on the plus strand (C>A on the coding strand, the complement: AFF4 is on the minus strand). VCF-style: chr5-132885115-G-T. GRCh37 (hg19) VCF-style: chr5-132220807-G-T.
Other names: short protein forms S1035Y.
Identifiers: ClinVar variation 3239369 (VCV003239369.19), dbSNP rs2532434622.